The following is an entry in ClinVar:

NM_001276270.2(MBD4):c.533T>G (p.Leu178Arg)

Gene: MBD4 (methyl-CpG binding domain 4, DNA glycosylase; minus strand). Cytogenetic location: 3q21.3.
Variant type: single nucleotide variant.
Coding change: c.533T>G on transcript NM_001276270.2 (MANE Select); coding-DNA position 533, T replaced by G.
Protein change: p.Leu178Arg; replaces leucine 178 with arginine.
Molecular consequence: missense variant. On other transcripts: intron variant (1).
Genome position (GRCh38, 1-based): chr3:129,437,111, A>C on the plus strand (T>G on the coding strand, the complement: MBD4 is on the minus strand). VCF-style: chr3-129437111-A-C. GRCh37 (hg19) VCF-style: chr3-129155954-A-C.
Other names: c.533T>G, p.Leu178Arg (NM_001276271.2, NM_001276272.2, NM_003925.3); c.247+697T>G (NM_001276273.2); short protein forms L178R.
Identifiers: ClinVar variation 4825714 (VCV004825714.1).
Genomic context (GRCh38, chr3:129,437,111, plus strand): 5'-AACTCTGAACTACTACTTGGCGGCATAAACACATCCTTTTTGCACTTGCTTCGGGTCCTG[A>C]GGTTCCAGTTTGAATTGTTACTTTGGTTTTGTAGATGGGATGTCAGGGCTGCCATGCTGC-3'
Protein context (NP_001263199.1, residues 168-188): QNQSNNSNWN[Leu178Arg]RTRSKCKKDV

ClinVar aggregate classification (germline): Uncertain significance (1 of 4 stars; one submission).

Conditions:
Inborn genetic diseases. Identifiers: MedGen C0950123, MeSH D030342.

Submission:

Ambry Genetics
Classification: Uncertain significance for Inborn genetic diseases. Last evaluated: 2026-02-16. Review status: criteria provided, single submitter. Criteria: Ambry Variant Classification Scheme 2023. Collection method: clinical testing. Allele origin: germline.
Comment: The p.L178R variant (also known as c.533T>G), located in coding exon 3 of the MBD4 gene, results from a T to G substitution at nucleotide position 533. The leucine at codon 178 is replaced by arginine, an amino acid with dissimilar properties. This amino acid position is conserved. In addition, the in silico prediction for this alteration is inconclusive. Based on the available evidence, the clinical significance of this variant remains unclear.